The following is an entry in ClinVar:

ClinVar aggregate classification (germline): Benign. Review status: criteria provided, multiple submitters, no conflicts (2 of 4 stars). 9 submissions from 8 submitters: Benign (8). 1 of the submissions does not count toward it. Last evaluated 2026-02-02.

Conditions:
Joubert syndrome 24 (JBTS24). Identifiers: Orphanet 475, MedGen C4084841, MONDO:0014724, OMIM 616654.
Joubert syndrome. Also called: Familial aplasia of the vermis; JOUBERT-BOLTSHAUSER SYNDROME. Identifiers: Orphanet 475, MedGen C5979921, MONDO:0018772.
Meckel-Gruber syndrome. Also called: Dysencephalia splachnocystica; GRUBER SYNDROME; DYSENCEPHALIA SPLANCHNOCYSTICA. Identifiers: Orphanet 564, MedGen C0265215, MONDO:0018921.
Meckel syndrome, type 8. Identifiers: Orphanet 564, MedGen C3836857, MONDO:0013482, OMIM 613885.

Allele frequency attached by ClinVar (database versions not stated): gnomAD exomes 0.02280 and 0.03048; ExAC 0.03122; gnomAD 0.05524 and 0.05712; ESP Exome Variant Server 0.05782; 1000 Genomes Project 0.05950; 1000 Genomes Project 30x 0.06012; TOPMed 0.06160.
gnomAD v4.1: 41,964 of 1,613,974 alleles (2.6%); highest among the groups gnomAD compares: African/African-American, 14%; 1,194 homozygotes.

Submissions (9):

Labcorp Genetics (formerly Invitae), Labcorp
Classification: Benign for Joubert syndrome; Meckel-Gruber syndrome. Last evaluated: 2026-02-02. Review status: criteria provided, single submitter. Criteria: Invitae Variant Classification Sherloc (09022015). Collection method: clinical testing. Allele origin: germline.

Blueprint Genetics
Classification: Benign. Last evaluated: 2024-11-27. Review status: criteria provided, single submitter. Criteria: ACMG Guidelines, 2015. Collection method: clinical testing. Allele origin: germline.

Mayo Clinic Laboratories, Mayo Clinic
Classification: Benign. Last evaluated: 2023-04-03. Review status: criteria provided, single submitter. Criteria: ACMG Guidelines, 2015. Collection method: clinical testing. Allele origin: germline. Observed: 5 variant alleles.

Illumina Laboratory Services, Illumina
Classification: Benign for Meckel syndrome, type 8. Last evaluated: 2018-01-13. Review status: criteria provided, single submitter. Criteria: ICSL Variant Classification Criteria 13 December 2019. Collection method: clinical testing. Allele origin: germline.
Comment: This variant was observed in the ICSL laboratory as part of a predisposition screen in an ostensibly healthy population. It had not been previously curated by ICSL or reported in the Human Gene Mutation Database (HGMD: prior to June 1st, 2018), and was therefore a candidate for classification through an automated scoring system. Utilizing variant allele frequency, disease prevalence and penetrance estimates, and inheritance mode, an automated score was calculated to assess if this variant is too frequent to cause the disease. Based on the score and internal cut-off values, a variant classified as benign is not then subjected to further curation. The score for this variant resulted in a classification of benign for this disease.

Illumina Laboratory Services, Illumina
Classification: Benign for Joubert syndrome 24. Last evaluated: 2018-01-13. Review status: criteria provided, single submitter. Criteria: ICSL Variant Classification Criteria 13 December 2019. Collection method: clinical testing. Allele origin: germline.
Comment: the same text as in the submission from Illumina Laboratory Services, Illumina above.

GeneDx
Classification: Benign. Last evaluated: 2016-03-04. Review status: criteria provided, single submitter. Criteria: GeneDx Variant Classification (06012015). Collection method: clinical testing. Allele origin: germline. Affected: yes.
Comment: This variant is considered likely benign or benign based on one or more of the following criteria: it is a conservative change, it occurs at a poorly conserved position in the protein, it is predicted to be benign by multiple in silico algorithms, and/or has population frequency not consistent with disease.

Breakthrough Genomics
Classification: Benign. Review status: criteria provided, single submitter. Criteria: ACMG Guidelines, 2015. Collection method: not provided. Allele origin: germline. Inheritance: Autosomal recessive inheritance. Affected: yes.

PreventionGenetics, part of Exact Sciences
Classification: Benign. Review status: criteria provided, single submitter. Criteria: ACMG Guidelines, 2015. Collection method: clinical testing. Allele origin: germline.

Genetic Services Laboratory, University of Chicago
Classification: Likely benign for AllHighlyPenetrant. Review status: no assertion criteria provided. Collection method: clinical testing. Allele origin: germline. Inheritance: Autosomal recessive inheritance. Observed: 10 variant alleles. Not counted in ClinVar's aggregate classification.
Comment: Likely benign based on allele frequency in 1000 Genomes Project or ESP global frequency and its presence in a patient with a rare or unrelated disease phenotype. NOT Sanger confirmed.

NM_024809.5(TCTN2):c.83-4C>T

Gene: TCTN2 (tectonic family member 2; plus strand). Cytogenetic location: 12q24.31.
Variant type: single nucleotide variant.
Coding change: c.83-4C>T on transcript NM_024809.5 (MANE Select); 4 bases into the intron before coding-DNA position 83, C replaced by T.
Molecular consequence: intron variant.
Genome position (GRCh38, 1-based): chr12:123,671,503, C>T. VCF-style: chr12-123671503-C-T. GRCh37 (hg19) VCF-style: chr12-124156050-C-T.
Other names: p.?; c.83-4C>T (NM_001143850.3).
Identifiers: ClinVar variation 126291 (VCV000126291.24), dbSNP rs73416299, ClinGen allele CA150969.